The following is an entry in ClinVar:

NM_001378457.1(DMXL2):c.3420C>A (p.Ser1140Arg)

Gene: DMXL2 (Dmx like 2; minus strand). Cytogenetic location: 15q21.2.
Variant type: single nucleotide variant.
Coding change: c.3420C>A on transcript NM_001378457.1 (MANE Select); coding-DNA position 3420, C replaced by A.
Protein change: p.Ser1140Arg; replaces serine 1140 with arginine.
Molecular consequence: missense variant. On other transcripts: non-coding transcript variant (2), intron variant (2).
Genome position (GRCh38, 1-based): chr15:51,499,804, G>T on the plus strand (C>A on the coding strand, the complement: DMXL2 is on the minus strand). VCF-style: chr15-51499804-G-T. GRCh37 (hg19) VCF-style: chr15-51792001-G-T.
Other names: c.3420C>A, p.Ser1140Arg (NM_001174116.3, NM_001378458.1, NM_001378459.1 and 4 more transcripts); c.3180C>A, p.Ser1060Arg (NM_001378464.1); c.2764+7330C>A (NM_001378460.1); c.2765-4670C>A (NM_001174117.3); short protein forms S1060R, S1140R.
Identifiers: ClinVar variation 1959151 (VCV001959151.2), dbSNP rs368031898, ClinGen allele CA7562169.
Genomic context (GRCh38, chr15:51,499,804, plus strand): 5'-ATATCTATCCTTGCTCAAGAGTGCATCTGACTTGCTATACACAAACAGATTACTGTCGAC[G>T]CTGACCCTTGAATCAAGTACACTCCCAACCTTAACCAAATCATCAAGATGAATTGTTTGT-3'
Protein context (NP_001365386.1, residues 1130-1150): KVGSVLDSRV[Ser1140Arg]VDSNLFVYSK

ClinVar aggregate classification (germline): Uncertain significance (1 of 4 stars; one submission).

gnomAD v4.1: 55 of 1,613,948 alleles (0.0034%); highest among the groups gnomAD compares: Non-Finnish European, 0.0047%; no homozygotes.

Submission:

Labcorp Genetics (formerly Invitae), Labcorp
Classification: Uncertain significance. Last evaluated: 2022-02-15. Review status: criteria provided, single submitter. Criteria: Invitae Variant Classification Sherloc (09022015). Collection method: clinical testing. Allele origin: germline.
Comment: This sequence change replaces serine, which is neutral and polar, with arginine, which is basic and polar, at codon 1140 of the DMXL2 protein (p.Ser1140Arg). This variant is present in population databases (rs368031898, gnomAD 0.003%). This variant has not been reported in the literature in individuals affected with DMXL2-related conditions. Algorithms developed to predict the effect of missense changes on protein structure and function are either unavailable or do not agree on the potential impact of this missense change (SIFT: "Tolerated"; PolyPhen-2: "Probably Damaging"; Align-GVGD: "Class C0"). In summary, the available evidence is currently insufficient to determine the role of this variant in disease. Therefore, it has been classified as a Variant of Uncertain Significance.